The following is an entry in ClinVar:

ClinVar aggregate classification (germline): Conflicting classifications of pathogenicity. Review status: criteria provided, conflicting classifications (1 of 4 stars). 5 submissions from 5 submitters: Uncertain significance (3); Likely benign (2). Last evaluated 2026-01-20.

Conditions:
Inborn genetic diseases. Identifiers: MedGen C0950123, MeSH D030342.
Neutropenia, severe congenital, 1, autosomal dominant. Identifiers: MedGen C1859966, MONDO:0042490, OMIM 202700.
Cyclical neutropenia. Also called: Cyclic hematopoiesis; Cyclic Neutropenia. Identifiers: Orphanet 2686, MedGen C0221023, MONDO:0008090, OMIM 162800, HP:0040289. Disease mechanism: loss of function.
Autoinflammatory syndrome. Identifiers: Orphanet 93665, MedGen C3890737, MONDO:0019751.

Allele frequency attached by ClinVar (database versions not stated): ExAC below 0.00001; gnomAD exomes 0.00004 and 0.00007; gnomAD 0.00011; TOPMed 0.00011; 1000 Genomes Project 30x 0.00016; 1000 Genomes Project 0.00020.
gnomAD v4.1: 72 of 1,561,966 alleles (0.0046%); highest among the groups gnomAD compares: Admixed American, 0.046%; no homozygotes.

Submissions (5):

Labcorp Genetics (formerly Invitae), Labcorp
Classification: Likely benign for Neutropenia, severe congenital, 1, autosomal dominant; Cyclical neutropenia. Last evaluated: 2026-01-20. Review status: criteria provided, single submitter. Criteria: Invitae Variant Classification Sherloc (09022015). Collection method: clinical testing. Allele origin: germline.

Ambry Genetics
Classification: Likely benign for Inborn genetic diseases. Last evaluated: 2024-11-27. Review status: criteria provided, single submitter. Criteria: Ambry Variant Classification Scheme 2023. Collection method: clinical testing. Allele origin: germline.

Fulgent Genetics
Classification: Uncertain significance for Cyclical neutropenia; Neutropenia, severe congenital, 1, autosomal dominant. Last evaluated: 2022-04-12. Review status: criteria provided, single submitter. Criteria: ACMG Guidelines, 2015. Collection method: clinical testing. Allele origin: unknown.

Genome Diagnostics Laboratory, The Hospital for Sick Children
Classification: Uncertain significance for Autoinflammatory syndrome. Last evaluated: 2022-03-21. Review status: criteria provided, single submitter. Criteria: ACMG Guidelines, 2015. Collection method: clinical testing. Allele origin: germline. Affected: yes.

GeneDx
Classification: Uncertain significance. Last evaluated: 2014-08-01. Review status: criteria provided, single submitter. Criteria: GeneDx Variant Classification (06012015). Collection method: clinical testing. Allele origin: germline. Affected: yes.
Comment: The A73T variant has not been published as a mutation, nor has it been reported as a benign polymorphism to our knowledge. The A73T variant was not observed in approximately 6,200 individuals of European and African American ancestry in the NHLBI Exome Sequencing Project, indicating it is not a common benign variant in these populations. The A73T variant is a non-conservative amino acid substitution, which is likely to impact secondary protein structure as these residues differ in polarity, charge, size and/or other properties. This substitution occurs at a position that is not conserved across species. In silico analysis predicts this variant likely does not alter the protein structure/function. Missense mutations in nearby residues (C71R, C71S, C71Y, C71F, V72E, V72G, R78H, V80G, R81P, V82M) have been reported in the Human Gene Mutation Database in association with ELANE-related disorders (Stenson et al., 2009), supporting the functional importance of this region of the protein. Therefore, based on the currently available information, it is unclear whether this variant is a pathogenic mutation or a rare benign variant.

NM_001972.4(ELANE):c.217G>A (p.Ala73Thr)

Gene: ELANE (elastase, neutrophil expressed; plus strand). Cytogenetic location: 19p13.3.
Variant type: single nucleotide variant.
Coding change: c.217G>A on transcript NM_001972.4 (MANE Select); coding-DNA position 217, G replaced by A.
Protein change: p.Ala73Thr; replaces alanine 73 with threonine.
Molecular consequence: missense variant.
Genome position (GRCh38, 1-based): chr19:853,025, G>A. VCF-style: chr19-853025-G-A. GRCh37 (hg19) VCF-style: chr19-853025-G-A.
Other names: c.217G>A (LRG_57t1); short protein forms A73T.
Identifiers: ClinVar variation 242290 (VCV000242290.17), dbSNP rs201421847, ClinGen allele CA9025950.